The following is an entry in ClinVar:

ClinVar aggregate classification (germline): Uncertain significance (1 of 4 stars; one submission).

gnomAD v4.1: 2 of 1,614,050 alleles (0.00012%); highest among the groups gnomAD compares: Non-Finnish European, 0.00017%; no homozygotes.

Submission:

GeneDx
Classification: Uncertain significance. Last evaluated: 2026-04-24. Review status: criteria provided, single submitter. Criteria: GeneDx Variant Classification Process June 2021. Collection method: clinical testing. Allele origin: germline.
Comment: Not observed at significant frequency in large population cohorts (gnomAD); In silico analysis suggests that this missense variant does not alter protein structure/function; Has not been previously published as pathogenic or benign to our knowledge

NM_016373.4(WWOX):c.292C>T (p.Pro98Ser)

Gene: WWOX (WW domain containing oxidoreductase; plus strand). Cytogenetic location: 16q23.1.
Variant type: single nucleotide variant.
Coding change: c.292C>T on transcript NM_016373.4 (MANE Select); coding-DNA position 292, C replaced by T.
Protein change: p.Pro98Ser; replaces proline 98 with serine.
Molecular consequence: missense variant. On other transcripts: 5 prime UTR variant (1), non-coding transcript variant (1).
Genome position (GRCh38, 1-based): chr16:78,115,037, C>T. VCF-style: chr16-78115037-C-T. GRCh37 (hg19) VCF-style: chr16-78148934-C-T.
Other names: c.-48C>T (NM_001291997.2); c.292C>T, p.Pro98Ser (NM_130791.5); short protein forms P98S.
Identifiers: ClinVar variation 5037486 (VCV005037486.1).